The following is an entry in ClinVar:

ClinVar aggregate classification (germline): Likely benign. Review status: criteria provided, single submitter (1 of 4 stars). 2 submissions from 2 submitters: Likely benign (1). 1 of the submissions does not count toward it. Last evaluated 2026-01-05.

Conditions:
APC2-related disorder. Also called: APC2-Related Disorders; APC2-related condition.

Allele frequency attached by ClinVar (database versions not stated): gnomAD exomes 0.00009; 1000 Genomes Project 0.00020; 1000 Genomes Project 30x 0.00078; gnomAD 0.00128; TOPMed 0.00147.
gnomAD v4.1: 318 of 1,254,908 alleles (0.025%); highest among the groups gnomAD compares: African/African-American, 0.43%; 1 homozygote.

Submissions (2):

Labcorp Genetics (formerly Invitae), Labcorp
Classification: Likely benign. Last evaluated: 2026-01-05. Review status: criteria provided, single submitter. Criteria: Invitae Variant Classification Sherloc (09022015). Collection method: clinical testing. Allele origin: germline.

PreventionGenetics, part of Exact Sciences
Classification: Likely benign for APC2-related condition. Last evaluated: 2022-06-24. Review status: no assertion criteria provided. Collection method: clinical testing. Allele origin: germline. Not counted in ClinVar's aggregate classification.
Comment: This variant is classified as likely benign based on ACMG/AMP sequence variant interpretation guidelines (Richards et al. 2015 PMID: 25741868, with internal and published modifications).

NM_005883.3(APC2):c.6068G>A (p.Gly2023Asp)

Gene: APC2 (APC regulator of Wnt signaling pathway 2; plus strand). Cytogenetic location: 19p13.3.
Variant type: single nucleotide variant.
Coding change: c.6068G>A on transcript NM_005883.3 (MANE Select); coding-DNA position 6068, G replaced by A.
Protein change: p.Gly2023Asp; replaces glycine 2023 with aspartic acid.
Molecular consequence: missense variant.
Genome position (GRCh38, 1-based): chr19:1,469,369, G>A. VCF-style: chr19-1469369-G-A. GRCh37 (hg19) VCF-style: chr19-1469368-G-A.
Other names: c.6065G>A, p.Gly2022Asp (NM_001351273.1); c.6068G>A (NM_005883.2); short protein forms G2022D, G2023D.
Identifiers: ClinVar variation 2078781 (VCV002078781.6), dbSNP rs570219184, ClinGen allele CA9046125.